The following is an entry in ClinVar:

NM_004168.4(SDHA):c.842_843delinsTT (p.Thr281Ile)

Gene: SDHA (succinate dehydrogenase complex flavoprotein subunit A; plus strand). Cytogenetic location: 5p15.33.
Variant type: Indel.
Coding change: c.842_843delinsTT on transcript NM_004168.4 (MANE Select); coding-DNA positions 842 to 843, CC replaced by TT.
Protein change: p.Thr281Ile; replaces threonine 281 with isoleucine.
Molecular consequence: missense variant.
Genome position (GRCh38, 1-based): chr5:230,947-230,948, CC replaced by TT. VCF-style: chr5-230947-CC-TT. GRCh37 (hg19) VCF-style: chr5-231062-CC-TT.
Other names: c.698_699delinsTT, p.Thr233Ile (NM_001294332.2); c.842_843delinsTT, p.Thr281Ile (NM_001330758.2); short protein forms T281I, T233I.
Identifiers: ClinVar variation 3793533 (VCV003793533.1).

ClinVar aggregate classification (germline): Uncertain significance (1 of 4 stars; one submission).

Conditions:
Hereditary cancer-predisposing syndrome. Also called: Neoplastic Syndromes, Hereditary; Hereditary Cancer Syndrome; Tumor predisposition; Hereditary neoplastic syndrome. Identifiers: Orphanet 140162, MedGen C0027672, MeSH D009386, MONDO:0015356.

Submission:

Ambry Genetics
Classification: Uncertain significance for Hereditary cancer-predisposing syndrome. Last evaluated: 2025-01-07. Review status: criteria provided, single submitter. Criteria: Ambry Variant Classification Scheme 2023. Collection method: clinical testing. Allele origin: germline.
Comment: The c.842_843delCCinsTT variant, located in coding exon 7 of the SDHA gene, results from an in-frame deletion of CC and insertion of TT at nucleotide positions 842 to 843. This results in the substitution of the threonine residue for an isoleucine residue at codon 281, an amino acid with similar properties. This amino acid position is highly conserved in available vertebrate species. In addition, this alteration is predicted to be deleterious by in silico analysis. Based on the available evidence, the clinical significance of this variant remains unclear.